The following is an entry in ClinVar:

ClinVar aggregate classification (germline): Uncertain significance. Review status: criteria provided, multiple submitters, no conflicts (2 of 4 stars). 4 submissions from 4 submitters: Uncertain significance (4). Last evaluated 2024-06-26.

Conditions:
Duchenne muscular dystrophy (DMD). Also called: MUSCULAR DYSTROPHY, PSEUDOHYPERTROPHIC PROGRESSIVE, DUCHENNE TYPE; Duchenne Muscular Dystrophy (DMD). Identifiers: Orphanet 98896, MedGen C0013264, MONDO:0010679, OMIM 310200.

Submissions (4):

Labcorp Genetics (formerly Invitae), Labcorp
Classification: Uncertain significance for Duchenne muscular dystrophy. Last evaluated: 2024-06-26. Review status: criteria provided, single submitter. Criteria: Invitae Variant Classification Sherloc (09022015). Collection method: clinical testing. Allele origin: germline.
Comment: This sequence change replaces glycine, which is neutral and non-polar, with arginine, which is basic and polar, at codon 1112 of the DMD protein (p.Gly1112Arg). This variant is not present in population databases (gnomAD no frequency). This missense change has been observed in individual(s) with Duchenne muscular dystrophy (PMID: 33644936). ClinVar contains an entry for this variant (Variation ID: 598193). Advanced modeling of protein sequence and biophysical properties (such as structural, functional, and spatial information, amino acid conservation, physicochemical variation, residue mobility, and thermodynamic stability) performed at Invitae indicates that this missense variant is not expected to disrupt DMD protein function with a negative predictive value of 95%. In summary, the available evidence is currently insufficient to determine the role of this variant in disease. Therefore, it has been classified as a Variant of Uncertain Significance.

Revvity Omics, Revvity
Classification: Uncertain significance. Last evaluated: 2023-03-20. Review status: criteria provided, single submitter. Criteria: ACMG Guidelines, 2015. Collection method: clinical testing. Allele origin: germline.

GeneDx
Classification: Uncertain significance. Last evaluated: 2022-11-09. Review status: criteria provided, single submitter. Criteria: GeneDx Variant Classification Process June 2021. Collection method: clinical testing. Allele origin: germline. Affected: yes.
Comment: In silico analysis supports that this missense variant does not alter protein structure/function; Not observed at significant frequency in large population cohorts (gnomAD); This variant is associated with the following publications: (PMID: 33644936)

Eurofins Ntd Llc (ga)
Classification: Uncertain significance. Last evaluated: 2018-07-27. Review status: criteria provided, single submitter. Criteria: EGL ClinVar v180209 classification definitions. Collection method: clinical testing. Allele origin: germline. Observed: 1 variant allele, 1 hemizygote.

Literature cited by the submitters: PubMed 33644936 (cited by Labcorp Genetics (formerly Invitae), Labcorp).

NM_004006.3(DMD):c.3334G>A (p.Gly1112Arg)

Gene: DMD (dystrophin; minus strand). Cytogenetic location: Xp21.1.
Variant type: single nucleotide variant.
Coding change: c.3334G>A on transcript NM_004006.3 (MANE Select); coding-DNA position 3334, G replaced by A.
Protein change: p.Gly1112Arg; replaces glycine 1112 with arginine.
Molecular consequence: missense variant.
Genome position (GRCh38, 1-based): chrX:32,463,537, C>T on the plus strand (G>A on the coding strand, the complement: DMD is on the minus strand). VCF-style: chrX-32463537-C-T. GRCh37 (hg19) VCF-style: chrX-32481654-C-T.
Other names: c.3310G>A, p.Gly1104Arg (NM_000109.4); c.3322G>A, p.Gly1108Arg (NM_004009.3); c.2965G>A, p.Gly989Arg (NM_004010.3); short protein forms G1112R, G1104R, G1108R, G989R.
Identifiers: ClinVar variation 598193 (VCV000598193.19), dbSNP rs777598938, ClinGen allele CA412664509.